The following is an entry in ClinVar:

NM_014141.6(CNTNAP2):c.2722G>A (p.Ala908Thr)

Gene: CNTNAP2 (contactin associated protein 2; plus strand). Cytogenetic location: 7q35.
Variant type: single nucleotide variant.
Coding change: c.2722G>A on transcript NM_014141.6 (MANE Select); coding-DNA position 2722, G replaced by A.
Protein change: p.Ala908Thr; replaces alanine 908 with threonine.
Molecular consequence: missense variant.
Genome position (GRCh38, 1-based): chr7:148,147,658, G>A. VCF-style: chr7-148147658-G-A. GRCh37 (hg19) VCF-style: chr7-147844750-G-A.
Other names: short protein forms A908T.
Identifiers: ClinVar variation 2011658 (VCV002011658.4), dbSNP rs775673213, ClinGen allele CA4546463.

ClinVar aggregate classification (germline): Uncertain significance (1 of 4 stars; one submission).

Conditions:
Cortical dysplasia-focal epilepsy syndrome (PTHSL1). Also called: Pitt-Hopkins-like syndrome 1. Identifiers: Orphanet 163681, Orphanet 221150, MedGen C2750246, MONDO:0012400, OMIM 610042.

Allele frequency attached by ClinVar (database versions not stated): 1000 Genomes Project 30x 0.00016.
gnomAD v4.1: 1 of 1,613,858 alleles (0.000062%); highest among the groups gnomAD compares: African/African-American, 0.0013%; no homozygotes.

Submission:

Labcorp Genetics (formerly Invitae), Labcorp
Classification: Uncertain significance for Cortical dysplasia-focal epilepsy syndrome. Last evaluated: 2022-06-27. Review status: criteria provided, single submitter. Criteria: Invitae Variant Classification Sherloc (09022015). Collection method: clinical testing. Allele origin: germline.
Comment: In summary, the available evidence is currently insufficient to determine the role of this variant in disease. Therefore, it has been classified as a Variant of Uncertain Significance. Algorithms developed to predict the effect of missense changes on protein structure and function are either unavailable or do not agree on the potential impact of this missense change (SIFT: "Deleterious"; PolyPhen-2: "Benign"; Align-GVGD: "Class C55"). This variant has not been reported in the literature in individuals affected with CNTNAP2-related conditions. This variant is present in population databases (rs775673213, gnomAD 0.007%). This sequence change replaces alanine, which is neutral and non-polar, with threonine, which is neutral and polar, at codon 908 of the CNTNAP2 protein (p.Ala908Thr).